The following is an entry in ClinVar:

ClinVar aggregate classification (germline): Uncertain significance. Review status: criteria provided, multiple submitters, no conflicts (2 of 4 stars). 2 submissions from 2 submitters: Uncertain significance (2). Last evaluated 2026-04-14.

Conditions:
Hereditary spastic paraplegia 11. Also called: Spastic Paraplegia 11; Spastic paraplegia, mental retardation and thin corpus callosum; Nakamura Osame syndrome; Autosomal recessive hereditary spastic paraplegia, mental impairment, and thin corpus callosum; SPASTIC PARAPLEGIA, AUTOSOMAL RECESSIVE, COMPLICATED, WITH THIN CORPUS CALLOSUM; SPASTIC PARAPLEGIA, AUTOSOMAL RECESSIVE, WITH MENTAL IMPAIRMENT AND THIN CORPUS CALLOSUM. Identifiers: Orphanet 2822, MedGen C1858479, MONDO:0011445, OMIM 604360.
SPG11-related disorder. Also called: SPG11-related condition.

Allele frequency attached by ClinVar (database versions not stated): TOPMed below 0.00001; gnomAD 0.00003.

Submissions (2):

PreventionGenetics, part of Exact Sciences
Classification: Uncertain significance for SPG11-related condition. Last evaluated: 2026-04-14. Review status: criteria provided, single submitter. Criteria: ACMG Guidelines, 2015. Collection method: clinical testing. Allele origin: germline.
Comment: The SPG11 c.1952G>A variant is predicted to result in the amino acid substitution p.Arg651Gln. To our knowledge, this variant has not been reported in the literature. This variant is reported in 0.0065% of alleles in individuals of European (non-Finnish) descent in gnomAD. At this time, the clinical significance of this variant is uncertain due to the absence of conclusive functional and genetic evidence.

Labcorp Genetics (formerly Invitae), Labcorp
Classification: Uncertain significance for Hereditary spastic paraplegia 11. Last evaluated: 2021-08-27. Review status: criteria provided, single submitter. Criteria: Invitae Variant Classification Sherloc (09022015). Collection method: clinical testing. Allele origin: germline.
Comment: This sequence change replaces arginine with glutamine at codon 651 of the SPG11 protein (p.Arg651Gln). The arginine residue is highly conserved and there is a small physicochemical difference between arginine and glutamine. This variant is not present in population databases (ExAC no frequency). This variant has not been reported in the literature in individuals affected with SPG11-related conditions. Algorithms developed to predict the effect of missense changes on protein structure and function are either unavailable or do not agree on the potential impact of this missense change (SIFT: "Deleterious"; PolyPhen-2: "Probably Damaging"; Align-GVGD: "Class C0"). In summary, the available evidence is currently insufficient to determine the role of this variant in disease. Therefore, it has been classified as a Variant of Uncertain Significance.

NM_025137.4(SPG11):c.1952G>A (p.Arg651Gln)

Gene: SPG11 (SPG11 vesicle trafficking associated, spatacsin; minus strand). Cytogenetic location: 15q21.1.
Variant type: single nucleotide variant.
Coding change: c.1952G>A on transcript NM_025137.4 (MANE Select); coding-DNA position 1952, G replaced by A.
Protein change: p.Arg651Gln; replaces arginine 651 with glutamine.
Molecular consequence: missense variant.
Genome position (GRCh38, 1-based): chr15:44,628,784, C>T on the plus strand (G>A on the coding strand, the complement: SPG11 is on the minus strand). VCF-style: chr15-44628784-C-T. GRCh37 (hg19) VCF-style: chr15-44920982-C-T.
Other names: c.1952G>A, p.Arg651Gln (NM_001160227.2); short protein forms R651Q.
Identifiers: ClinVar variation 534851 (VCV000534851.7), dbSNP rs766733736, ClinGen allele CA270080563.